The following is an entry in ClinVar:

NM_001267550.2(TTN):c.501C>G (p.Tyr167Ter)

Gene: TTN (titin; minus strand). Cytogenetic location: 2q31.2.
Variant type: single nucleotide variant.
Coding change: c.501C>G on transcript NM_001267550.2 (MANE Select); coding-DNA position 501, C replaced by G.
Protein change: p.Tyr167Ter; replaces tyrosine 167 with a stop codon.
Molecular consequence: nonsense.
Genome position (GRCh38, 1-based): chr2:178,800,477, G>C on the plus strand (C>G on the coding strand, the complement: TTN is on the minus strand). VCF-style: chr2-178800477-G-C. GRCh37 (hg19) VCF-style: chr2-179665204-G-C.
Other names: c.501C>G, p.Tyr167Ter (NM_001256850.1, NM_003319.4, NM_133378.4 and 3 more transcripts); short protein forms Y167*.
Identifiers: ClinVar variation 2951905 (VCV002951905.3), dbSNP rs2534364249, ClinGen allele CA349527272.

ClinVar aggregate classification (germline): Likely pathogenic (1 of 4 stars; one submission).

Conditions:
Dilated cardiomyopathy 1G (CMD1G). Identifiers: Orphanet 154, MedGen C1858763, MONDO:0011400, OMIM 604145.
Autosomal recessive limb-girdle muscular dystrophy type 2J (LGMDR10). Also called: Limb-girdle muscular dystrophy, type 2J; MUSCULAR DYSTROPHY, LIMB-GIRDLE, AUTOSOMAL RECESSIVE 10. Identifiers: Orphanet 140922, MedGen C1837342, MONDO:0012127, OMIM 608807.

Submission:

Labcorp Genetics (formerly Invitae), Labcorp
Classification: Likely pathogenic for Dilated cardiomyopathy 1G; Autosomal recessive limb-girdle muscular dystrophy type 2J. Last evaluated: 2024-10-18. Review status: criteria provided, single submitter. Criteria: Invitae Variant Classification Sherloc (09022015). Collection method: clinical testing. Allele origin: germline.
Comment: This sequence change creates a premature translational stop signal (p.Tyr167*) in the TTN gene. While this is not anticipated to result in nonsense mediated decay, it is expected to create a truncated TTN protein. This variant is not present in population databases (gnomAD no frequency). This variant has not been observed in the literature in individuals with autosomal recessive TTN-related conditions. This variant has been reported in individual(s) with dilated cardiomyopathy (internal data); however, the role of the variant in this condition is currently unclear. This variant is located in the Z band of TTN (PMID: 25589632). Truncating variants in this region have been reported in individuals affected with autosomal recessive centronuclear myopathy (PMID: 33449170, internal data). Truncating variants in this region have also been identified in individuals affected with autosomal dominant dilated cardiomyopathy and/or cardio-related conditions (PMID: 27869827, 32964742, internal data). In summary, the currently available evidence indicates that the variant is pathogenic, but additional data are needed to prove that conclusively. Therefore, this variant has been classified as Likely Pathogenic.

Literature cited by the submitters: PubMed 25589632; PubMed 33449170; PubMed 27869827; PubMed 32964742.